The following is an entry in ClinVar:

NM_000447.3(PSEN2):c.1072+128C>T

Gene: PSEN2 (presenilin 2; plus strand). Cytogenetic location: 1q42.13.
Variant type: single nucleotide variant.
Coding change: c.1072+128C>T on transcript NM_000447.3 (MANE Select); 128 bases into the intron after coding-DNA position 1072, C replaced by T.
Molecular consequence: intron variant.
Genome position (GRCh38, 1-based): chr1:226,891,972, C>T. VCF-style: chr1-226891972-C-T. GRCh37 (hg19) VCF-style: chr1-227079673-C-T.
Other names: c.1069+128C>T (NM_012486.3).
Identifiers: ClinVar variation 1707285 (VCV001707285.2), dbSNP rs114127255, ClinGen allele CA38623518.
Genomic context (GRCh38, chr1:226,891,972, plus strand): 5'-CCCTGCAGCCTGGGTGGAGGAGGGCATGAGGGGAGGGGCCCCTTTTCCCATCAGAGGCAT[C>T]TCTGTGAAAGTAGAAGATGCCTGCAGCGCTGGGGTCTTCTCAGCAGGCCCCATGTAGTTG-3'

ClinVar aggregate classification (germline): Likely benign (1 of 4 stars; one submission).

Allele frequency attached by ClinVar (database versions not stated): gnomAD 0.01359; TOPMed 0.01415; 1000 Genomes Project 30x 0.01718; 1000 Genomes Project 0.01757.
gnomAD v4.1: 6,026 of 783,332 alleles (0.77%); highest among the groups gnomAD compares: African/African-American, 3.9%; 110 homozygotes.

Submission:

GeneDx
Classification: Likely benign. Last evaluated: 2020-11-14. Review status: criteria provided, single submitter. Criteria: GeneDx Variant Classification Process June 2021. Collection method: clinical testing. Allele origin: germline. Affected: yes.
Comment: See Variant Classification Assertion Criteria.